The following is an entry in ClinVar:

ClinVar aggregate classification (germline): Likely pathogenic (1 of 4 stars; one submission).

Conditions:
Niemann-Pick disease, type C1. Also called: NIEMANN-PICK DISEASE, VARIANT TYPE C1; NIEMANN-PICK DISEASE WITHOUT SPHINGOMYELINASE DEFICIENCY; NIEMANN-PICK DISEASE, CHRONIC NEURONOPATHIC FORM; NEUROVISCERAL STORAGE DISEASE WITH VERTICAL SUPRANUCLEAR OPHTHALMOPLEGIA; NIEMANN-PICK DISEASE WITH CHOLESTEROL ESTERIFICATION BLOCK. Identifiers: Orphanet 646, MedGen C3179455, MONDO:0009757, OMIM 257220.

Allele frequency attached by ClinVar (database versions not stated): gnomAD exomes below 0.00001.
gnomAD v4.1: 1 of 1,611,032 alleles (0.000062%); highest among the groups gnomAD compares: Non-Finnish European, 0.000085%; no homozygotes.

Submission:

Myriad Genetics, Inc.
Classification: Likely pathogenic for Niemann-Pick disease, type C1. Last evaluated: 2019-12-29. Review status: criteria provided, single submitter. Criteria: Myriad Women's Health Autosomal Recessive and X-Linked Classification Criteria (2019). Collection method: clinical testing. Allele origin: unknown.
Comment: NM_000271.4(NPC1):c.2575G>T(G859*) is expected to be pathogenic in the context of Niemann-Pick disease type C1. This variant is predicted to lead to an abnormal or absent protein product due to the creation of a premature termination codon in NPC1, a gene where loss-of-function variants are known to be pathogenic. Please note: this variant was assessed in the context of healthy population screening.

NM_000271.5(NPC1):c.2575G>T (p.Gly859Ter)

Gene: NPC1 (NPC intracellular cholesterol transporter 1; minus strand). Cytogenetic location: 18q11.2.
Variant type: single nucleotide variant.
Coding change: c.2575G>T on transcript NM_000271.5 (MANE Select); coding-DNA position 2575, G replaced by T.
Protein change: p.Gly859Ter; replaces glycine 859 with a stop codon.
Molecular consequence: nonsense.
Genome position (GRCh38, 1-based): chr18:23,540,477, C>A on the plus strand (G>T on the coding strand, the complement: NPC1 is on the minus strand). VCF-style: chr18-23540477-C-A. GRCh37 (hg19) VCF-style: chr18-21120441-C-A.
Other names: short protein forms G859*.
Identifiers: ClinVar variation 984323 (VCV000984323.3), dbSNP rs2058698654, ClinGen allele CA401793129.